The following is an entry in ClinVar:

ClinVar aggregate classification (germline): Benign/Likely benign. Review status: criteria provided, multiple submitters, no conflicts (2 of 4 stars). 7 submissions from 7 submitters: Benign (5); Likely benign (2). Last evaluated 2026-01-27.

Conditions:
Peters plus syndrome. Also called: KRAUSE-KIVLIN SYNDROME. Identifiers: Orphanet 709, MedGen C0796012, MONDO:0009856, OMIM 261540.

Allele frequency attached by ClinVar (database versions not stated): 1000 Genomes Project 30x 0.00953; 1000 Genomes Project 0.00978; gnomAD 0.01853 and 0.01874; TOPMed 0.01989; ExAC 0.02123; gnomAD exomes 0.02136 and 0.02442; ESP Exome Variant Server 0.02207.
gnomAD v4.1: 38,216 of 1,597,596 alleles (2.4%); highest among the groups gnomAD compares: Middle Eastern, 2.8%; 579 homozygotes.

Submissions (7):

Labcorp Genetics (formerly Invitae), Labcorp
Classification: Benign for Peters plus syndrome. Last evaluated: 2026-01-27. Review status: criteria provided, single submitter. Criteria: Invitae Variant Classification Sherloc (09022015). Collection method: clinical testing. Allele origin: germline.

Genome-Nilou Lab
Classification: Benign for Peters plus syndrome. Last evaluated: 2021-07-14. Review status: criteria provided, single submitter. Criteria: ACMG Guidelines, 2015. Collection method: clinical testing. Allele origin: germline. Affected: no.

GeneDx
Classification: Likely benign. Last evaluated: 2018-07-05. Review status: criteria provided, single submitter. Criteria: GeneDx Variant Classification Process June 2021. Collection method: clinical testing. Allele origin: germline. Affected: yes.

Illumina Laboratory Services, Illumina
Classification: Benign for Peters plus syndrome. Last evaluated: 2018-01-12. Review status: criteria provided, single submitter. Criteria: ICSL Variant Classification Criteria 13 December 2019. Collection method: clinical testing. Allele origin: germline.
Comment: This variant was observed in the ICSL laboratory as part of a predisposition screen in an ostensibly healthy population. It had not been previously curated by ICSL or reported in the Human Gene Mutation Database (HGMD: prior to June 1st, 2018), and was therefore a candidate for classification through an automated scoring system. Utilizing variant allele frequency, disease prevalence and penetrance estimates, and inheritance mode, an automated score was calculated to assess if this variant is too frequent to cause the disease. Based on the score and internal cut-off values, a variant classified as benign is not then subjected to further curation. The score for this variant resulted in a classification of benign for this disease.

Eurofins Ntd Llc (ga)
Classification: Benign. Last evaluated: 2013-02-18. Review status: criteria provided, single submitter. Criteria: EGL Classification Definitions 2015. Collection method: clinical testing. Allele origin: germline. Observed: 4 variant alleles, 4 heterozygotes.

Breakthrough Genomics
Classification: Likely benign. Review status: criteria provided, single submitter. Criteria: ACMG Guidelines, 2015. Collection method: not provided. Allele origin: germline. Inheritance: Autosomal recessive inheritance. Affected: yes.

PreventionGenetics, part of Exact Sciences
Classification: Benign. Review status: criteria provided, single submitter. Criteria: ACMG Guidelines, 2015. Collection method: clinical testing. Allele origin: germline.

NM_194318.4(B3GLCT):c.271-12T>C

Gene: B3GLCT (beta 3-glucosyltransferase; plus strand). Cytogenetic location: 13q12.3.
Variant type: single nucleotide variant.
Coding change: c.271-12T>C on transcript NM_194318.4 (MANE Select); 12 bases into the intron before coding-DNA position 271, T replaced by C.
Molecular consequence: intron variant.
Genome position (GRCh38, 1-based): chr13:31,247,011, T>C. VCF-style: chr13-31247011-T-C. GRCh37 (hg19) VCF-style: chr13-31821148-T-C.
Identifiers: ClinVar variation 96625 (VCV000096625.24), dbSNP rs117111131, ClinGen allele CA149627.